The following is an entry in ClinVar:

ClinVar aggregate classification (germline): Pathogenic. Review status: criteria provided, multiple submitters, no conflicts (2 of 4 stars). 2 submissions from 2 submitters: Pathogenic (2). Last evaluated 2025-10-18.

Conditions:
Osteogenesis imperfecta type I (OI1). Also called: Lobstein disease; Lobstein's Disease; Osteogenesis imperfecta type 1; Classic Non-deforming Osteogenesis Imperfecta with Blue Sclerae; OI, TYPE I; OSTEOGENESIS IMPERFECTA TARDA. Identifiers: Orphanet 216796, Orphanet 666, MedGen C0023931, MONDO:0008146, OMIM 166200. Disease mechanism: loss of function.
Osteogenesis imperfecta (OI). Identifiers: Orphanet 666, MedGen C0029434, MeSH D010013, MONDO:0019019.

Submissions (2):

Labcorp Genetics (formerly Invitae), Labcorp
Classification: Pathogenic for Osteogenesis imperfecta type I. Last evaluated: 2025-10-18. Review status: criteria provided, single submitter. Criteria: Invitae Variant Classification Sherloc (09022015). Collection method: clinical testing. Allele origin: germline.
Comment: This sequence change creates a premature translational stop signal (p.Arg1141Glufs*98) in the COL1A1 gene. It is expected to result in an absent or disrupted protein product. Loss-of-function variants in COL1A1 are known to be pathogenic (PMID: 7942841, 9295084, 9443882). This variant is not present in population databases (gnomAD no frequency). This premature translational stop signal has been observed in individual(s) with osteogenesis imperfecta (PMID: 37810882). ClinVar contains an entry for this variant (Variation ID: 691330). For these reasons, this variant has been classified as Pathogenic.

Genetics Department, Polish Mother's Memorial Hospital Research Institute
Classification: Pathogenic for Osteogenesis imperfecta. Last evaluated: 2019-07-11. Review status: criteria provided, single submitter. Criteria: ACMG Guidelines, 2015. Collection method: research. Allele origin: unknown. Affected: yes. Observed: 1 variant allele.

Literature cited by the submitters: PubMed 7942841 (cited by Labcorp Genetics (formerly Invitae), Labcorp); PubMed 9295084 (cited by Labcorp Genetics (formerly Invitae), Labcorp); PubMed 9443882 (cited by Labcorp Genetics (formerly Invitae), Labcorp); PubMed 37810882 (cited by Labcorp Genetics (formerly Invitae), Labcorp).

NM_000088.4(COL1A1):c.3421del (p.Arg1141fs)

Gene: COL1A1 (collagen type I alpha 1 chain; minus strand). Cytogenetic location: 17q21.33.
Variant type: Deletion.
Coding change: c.3421del on transcript NM_000088.4 (MANE Select); coding-DNA position 3421, one base deleted (C; older notation c.3421delC).
Protein change: p.Arg1141fs; shifts the reading frame from arginine 1141.
Molecular consequence: frameshift variant.
Genome position (GRCh38, 1-based): chr17:50,187,486, G deleted on the plus strand (C on the coding strand, the reverse complement: COL1A1 is on the minus strand); the first of 4 consecutive G bases (chr17:50,187,486-50,187,489); deleting any one gives the same sequence. VCF-style (leftmost placement, unchanged base first): chr17-50187485-CG-C. GRCh37 (hg19) VCF-style: chr17-48264846-CG-C.
Other names: c.3421delC (NM_000088.3); short protein forms R1141fs.
Identifiers: ClinVar variation 691330 (VCV000691330.4), dbSNP rs1598286543, ClinGen allele CA915950594.
Genomic context (GRCh38, chr17:50,187,485, plus strand): 5'-GTCCCCGAGGTGAGCCTGGGCTTGGGGCTCAGGAAGAGGAGAGAGAAGGCATGACTTACT[CG>C]GGGACCAGCAGGACCAGAGGCTCCAGAGGGACCTTGTTCACCAGGAGAGCCCTGAAGGAC-3'